The following is an entry in ClinVar:

ClinVar aggregate classification (germline): Uncertain significance. Review status: criteria provided, multiple submitters, no conflicts (2 of 4 stars). 3 submissions from 3 submitters: Uncertain significance (2). 1 of the submissions does not count toward it. Last evaluated 2022-03-09.

Conditions:
MPI-congenital disorder of glycosylation. Also called: PROTEIN-LOSING ENTEROPATHY-HEPATIC FIBROSIS SYNDROME; MPI-CDG; MANNOSEPHOSPHATE ISOMERASE DEFICIENCY; CONGENITAL DISORDER OF GLYCOSYLATION, TYPE Ib; CDG Ib; MPI DEFICIENCY. Identifiers: Orphanet 79319, MedGen C1865145, MONDO:0011257, OMIM 602579.

Allele frequency attached by ClinVar (database versions not stated): TOPMed 0.00007; ExAC 0.00008; gnomAD 0.00009; gnomAD exomes 0.00009; 1000 Genomes Project 30x 0.00031; 1000 Genomes Project 0.00040.

Submissions (3):

Fulgent Genetics
Classification: Uncertain significance for MPI-congenital disorder of glycosylation. Last evaluated: 2022-03-09. Review status: criteria provided, single submitter. Criteria: ACMG Guidelines, 2015. Collection method: clinical testing. Allele origin: unknown.

Labcorp Genetics (formerly Invitae), Labcorp
Classification: Uncertain significance for MPI-congenital disorder of glycosylation. Last evaluated: 2021-08-28. Review status: criteria provided, single submitter. Criteria: Invitae Variant Classification Sherloc (09022015). Collection method: clinical testing. Allele origin: germline.
Comment: This sequence change replaces arginine with glutamine at codon 56 of the MPI protein (p.Arg56Gln). The arginine residue is weakly conserved and there is a small physicochemical difference between arginine and glutamine. This variant is present in population databases (rs200452019, ExAC 0.01%). This variant has not been reported in the literature in individuals affected with MPI-related conditions. Algorithms developed to predict the effect of missense changes on protein structure and function (SIFT, PolyPhen-2, Align-GVGD) all suggest that this variant is likely to be tolerated. In summary, the available evidence is currently insufficient to determine the role of this variant in disease. Therefore, it has been classified as a Variant of Uncertain Significance.

Natera, Inc.
Classification: Uncertain significance for Congenital disorder of glycosylation type 1b. Last evaluated: 2020-03-09. Review status: no assertion criteria provided. Collection method: clinical testing. Allele origin: germline. Not counted in ClinVar's aggregate classification.

NM_002435.3(MPI):c.167G>A (p.Arg56Gln)

Gene: MPI (mannose phosphate isomerase; plus strand). Cytogenetic location: 15q24.1.
Variant type: single nucleotide variant.
Coding change: c.167G>A on transcript NM_002435.3 (MANE Select); coding-DNA position 167, G replaced by A.
Protein change: p.Arg56Gln; replaces arginine 56 with glutamine.
Molecular consequence: missense variant.
Genome position (GRCh38, 1-based): chr15:74,891,401, G>A. VCF-style: chr15-74891401-G-A. GRCh37 (hg19) VCF-style: chr15-75183742-G-A.
Other names: c.167G>A, p.Arg56Gln (NM_001289155.2, NM_001289157.2); c.17G>A, p.Arg6Gln (NM_001289156.2); c.107G>A, p.Arg36Gln (NM_001330372.2); short protein forms R6Q, R56Q, R36Q.
Identifiers: ClinVar variation 966402 (VCV000966402.7), dbSNP rs200452019, ClinGen allele CA7662385.